The following is an entry in ClinVar:

NM_005751.5(AKAP9):c.582A>G (p.Gln194=)

Gene: AKAP9 (A-kinase anchoring protein 9; plus strand). Cytogenetic location: 7q21.2.
Variant type: single nucleotide variant.
Coding change: c.582A>G on transcript NM_005751.5 (MANE Select); coding-DNA position 582, A replaced by G.
Protein change: p.Gln194=; no amino-acid change (glutamine 194 retained).
Molecular consequence: synonymous variant.
Genome position (GRCh38, 1-based): chr7:91,994,626, A>G. VCF-style: chr7-91994626-A-G. GRCh37 (hg19) VCF-style: chr7-91623940-A-G.
Other names: c.582A>G, p.Gln194= (NM_147185.3).
Identifiers: ClinVar variation 2879444 (VCV002879444.3), dbSNP rs1220068153, ClinGen allele CA456452560.
Genomic context (GRCh38, chr7:91,994,626, plus strand): 5'-CTGTAATAATAGTCAATTAAAAAAAATAAATCTAGCACTTACTATTTTCTTTCAGTTACA[A>G]GAATTTGAAGCTGCCATTAAACAAAGAGATGGCATTATAACCCAGCTCACTGCTAATTTA-3'
Protein context (NP_005742.4, residues 184-204): TYGTEGLQQL[Gln194=]EFEAAIKQRD

ClinVar aggregate classification (germline): Uncertain significance (1 of 4 stars; one submission).

Conditions:
Long QT syndrome (LQTS). Identifiers: MedGen C0023976, MeSH D008133, MONDO:0002442. Disease mechanism: loss of function. Inheritance: Various modes of inheritance.

Allele frequency attached by ClinVar (database versions not stated): gnomAD exomes below 0.00001; TOPMed below 0.00001.
gnomAD v4.1: 2 of 1,611,952 alleles (0.00012%); highest among the groups gnomAD compares: African/African-American, 0.0013%; no homozygotes.

Submission:

Labcorp Genetics (formerly Invitae), Labcorp
Classification: Uncertain significance for Long QT syndrome. Last evaluated: 2022-12-07. Review status: criteria provided, single submitter. Criteria: Invitae Variant Classification Sherloc (09022015). Collection method: clinical testing. Allele origin: germline.
Comment: This variant is present in population databases (no rsID available, gnomAD 0.007%). This sequence change affects codon 194 of the AKAP9 mRNA. It is a 'silent' change, meaning that it does not change the encoded amino acid sequence of the AKAP9 protein. This variant has not been reported in the literature in individuals affected with AKAP9-related conditions. In summary, the available evidence is currently insufficient to determine the role of this variant in disease. Therefore, it has been classified as a Variant of Uncertain Significance. Algorithms developed to predict the effect of sequence changes on RNA splicing suggest that this variant may create or strengthen a splice site.